The following is an entry in ClinVar:

NM_000143.4(FH):c.1123A>C (p.Thr375Pro)

Gene: FH (fumarate hydratase; minus strand). Cytogenetic location: 1q43.
Variant type: single nucleotide variant.
Coding change: c.1123A>C on transcript NM_000143.4 (MANE Select); coding-DNA position 1123, A replaced by C.
Protein change: p.Thr375Pro; replaces threonine 375 with proline.
Molecular consequence: missense variant.
Genome position (GRCh38, 1-based): chr1:241,502,556, T>G on the plus strand (A>C on the coding strand, the complement: FH is on the minus strand). VCF-style: chr1-241502556-T-G. GRCh37 (hg19) VCF-style: chr1-241665856-T-G.
Other names: short protein forms T375P.
Identifiers: ClinVar variation 1798373 (VCV001798373.3), dbSNP rs1573879366, ClinGen allele CA345437637.

ClinVar aggregate classification (germline): Uncertain significance (1 of 4 stars; one submission).

Conditions:
Hereditary cancer-predisposing syndrome. Also called: Tumor predisposition; Hereditary Cancer Syndrome; Hereditary neoplastic syndrome; Neoplastic Syndromes, Hereditary. Identifiers: Orphanet 140162, MedGen C0027672, MeSH D009386, MONDO:0015356.

Submission:

Ambry Genetics
Classification: Uncertain significance for Hereditary cancer-predisposing syndrome. Last evaluated: 2026-02-19. Review status: criteria provided, single submitter. Criteria: Ambry Variant Classification Scheme 2023. Collection method: clinical testing. Allele origin: germline.
Comment: The p.T375P variant (also known as c.1123A>C), located in coding exon 8 of the FH gene, results from an A to C substitution at nucleotide position 1123. The threonine at codon 375 is replaced by proline, an amino acid with highly similar properties. This amino acid position is highly conserved in available vertebrate species. In addition, this alteration is predicted to be deleterious by in silico analysis. Based on the available evidence, the clinical significance of this variant remains unclear.